The following is an entry in ClinVar:

NM_000834.5(GRIN2B):c.4105G>A (p.Gly1369Ser)

Gene: GRIN2B (glutamate ionotropic receptor NMDA type subunit 2B; minus strand). Cytogenetic location: 12p13.1.
Variant type: single nucleotide variant.
Coding change: c.4105G>A on transcript NM_000834.5 (MANE Select); coding-DNA position 4105, G replaced by A.
Protein change: p.Gly1369Ser; replaces glycine 1369 with serine.
Molecular consequence: missense variant.
Genome position (GRCh38, 1-based): chr12:13,563,133, C>T on the plus strand (G>A on the coding strand, the complement: GRIN2B is on the minus strand). VCF-style: chr12-13563133-C-T. GRCh37 (hg19) VCF-style: chr12-13716067-C-T.
Other names: short protein forms G1369S.
Identifiers: ClinVar variation 411106 (VCV000411106.35), dbSNP rs371190262, ClinGen allele CA6460785.

ClinVar aggregate classification (germline): Benign/Likely benign. Review status: criteria provided, multiple submitters, no conflicts (2 of 4 stars). 6 submissions from 6 submitters: Benign (3); Likely benign (3). Last evaluated 2025-12-21.

Conditions:
Inborn genetic diseases. Identifiers: MedGen C0950123, MeSH D030342.
Intellectual developmental disorder, autosomal dominant 6, with or without seizures. Also called: GRIN2B-related developmental delay, intellectual disability and autism spectrum disorder; Intellectual disability, autosomal dominant 6. Identifiers: Orphanet 589547, MedGen C3151411, MONDO:0013509, OMIM 613970.
Developmental and epileptic encephalopathy, 27 (DEE27). Also called: Epileptic encephalopathy, early infantile, 27; GRIN2B-Related Neurodevelopmental Disorder. Identifiers: Orphanet 3451, MedGen C4015316, MONDO:0014505, OMIM 616139.

Allele frequency attached by ClinVar (database versions not stated): gnomAD 0.00003 and 0.00002; ExAC 0.00007; ESP Exome Variant Server 0.00008; gnomAD exomes 0.00010; TOPMed 0.00003.
gnomAD v4.1: 47 of 1,614,026 alleles (0.0029%); highest among the groups gnomAD compares: Admixed American, 0.045%; no homozygotes.

Submissions (6):

Labcorp Genetics (formerly Invitae), Labcorp
Classification: Benign for Developmental and epileptic encephalopathy, 27; Intellectual developmental disorder, autosomal dominant 6, with or without seizures. Last evaluated: 2025-12-21. Review status: criteria provided, single submitter. Criteria: Invitae Variant Classification Sherloc (09022015). Collection method: clinical testing. Allele origin: germline.

CeGaT Center for Human Genetics Tuebingen
Classification: Likely benign. Last evaluated: 2024-07-01. Review status: criteria provided, single submitter. Criteria: CeGaT Center For Human Genetics Tuebingen Variant Classification Criteria Version 2. Collection method: clinical testing. Allele origin: germline. Affected: yes. Observed: 1 variant allele.
Comment: GRIN2B: BP4

Athena Diagnostics
Classification: Benign. Last evaluated: 2024-04-04. Review status: criteria provided, single submitter. Criteria: Athena Diagnostics Criteria. Collection method: clinical testing. Allele origin: unknown.

Fulgent Genetics
Classification: Likely benign for Intellectual developmental disorder, autosomal dominant 6, with or without seizures; Developmental and epileptic encephalopathy, 27. Last evaluated: 2021-10-20. Review status: criteria provided, single submitter. Criteria: ACMG Guidelines, 2015. Collection method: clinical testing. Allele origin: unknown.

Ambry Genetics
Classification: Likely benign for Inborn genetic diseases. Last evaluated: 2019-04-27. Review status: criteria provided, single submitter. Criteria: Ambry Variant Classification Scheme 2023. Collection method: clinical testing. Allele origin: germline.

GeneDx
Classification: Benign. Last evaluated: 2017-03-23. Review status: criteria provided, single submitter. Criteria: GeneDx Variant Classification (06012015). Collection method: clinical testing. Allele origin: germline. Affected: yes.
Comment: This variant is considered likely benign or benign based on one or more of the following criteria: it is a conservative change, it occurs at a poorly conserved position in the protein, it is predicted to be benign by multiple in silico algorithms, and/or has population frequency not consistent with disease.

Literature cited by the submitters: PubMed 37369021 (cited by Athena Diagnostics).